The following is an entry in ClinVar:

ClinVar aggregate classification (germline): Pathogenic. Review status: criteria provided, single submitter (1 of 4 stars). 2 submissions from 2 submitters: Pathogenic (1). 1 of the submissions does not count toward it. Last evaluated 2024-08-01.

Conditions:
EXT1-related disorder. Also called: EXT1-related condition.

Submissions (2):

CeGaT Center for Human Genetics Tuebingen
Classification: Pathogenic. Last evaluated: 2024-08-01. Review status: criteria provided, single submitter. Criteria: CeGaT Center For Human Genetics Tuebingen Variant Classification Criteria Version 2. Collection method: clinical testing. Allele origin: germline. Affected: yes. Observed: 1 variant allele.
Comment: EXT1: PVS1, PM2, PS4:Supporting

PreventionGenetics, part of Exact Sciences
Classification: Pathogenic for EXT1-related condition. Last evaluated: 2024-02-27. Review status: no assertion criteria provided. Collection method: clinical testing. Allele origin: germline. Not counted in ClinVar's aggregate classification.
Comment: The EXT1 c.1884-2A>G variant is predicted to disrupt the AG splice acceptor site and interfere with normal splicing. This variant has been reported in an individual with multiple osteochondromas (Santos et al. 2018. PubMed ID: 29529714). This variant has not been reported in a large population database, indicating this variant is rare. Variants that disrupt the consensus splice acceptor site in EXT1 are expected to be pathogenic. This variant is interpreted as pathogenic.

NM_000127.3(EXT1):c.1884-2A>G

Gene: EXT1 (exostosin glycosyltransferase 1; minus strand). Cytogenetic location: 8q24.11.
Variant type: single nucleotide variant.
Coding change: c.1884-2A>G on transcript NM_000127.3 (MANE Select); the canonical splice acceptor site of the intron before coding-DNA position 1884, A replaced by G.
Molecular consequence: splice acceptor variant.
Genome position (GRCh38, 1-based): chr8:117,804,895, T>C on the plus strand (A>G on the coding strand, the complement: EXT1 is on the minus strand). VCF-style: chr8-117804895-T-C. GRCh37 (hg19) VCF-style: chr8-118817134-T-C.
Identifiers: ClinVar variation 3061287 (VCV003061287.17), dbSNP rs2488085755, ClinGen allele CA371877800.